The following is an entry in ClinVar:

ClinVar aggregate classification (germline): Pathogenic (1 of 4 stars; one submission).

Conditions:
Primary ciliary dyskinesia. Also called: Ciliary dyskinesia. Identifiers: Orphanet 244, MedGen C0008780, MONDO:0016575, HP:0012265.

Allele frequency attached by ClinVar (database versions not stated): gnomAD 0.00001; TOPMed 0.00001.
gnomAD v4.1: 15 of 1,613,780 alleles (0.00093%); highest among the groups gnomAD compares: Non-Finnish European, 0.0013%; no homozygotes.

Submission:

Labcorp Genetics (formerly Invitae), Labcorp
Classification: Pathogenic for Primary ciliary dyskinesia. Last evaluated: 2024-06-11. Review status: criteria provided, single submitter. Criteria: Invitae Variant Classification Sherloc (09022015). Collection method: clinical testing. Allele origin: germline.
Comment: This sequence change replaces glycine, which is neutral and non-polar, with arginine, which is basic and polar, at codon 474 of the DNAI2 protein (p.Gly474Arg). This variant is not present in population databases (gnomAD no frequency). This missense change has been observed in individual(s) with primary ciliary dyskinesia (Invitae). ClinVar contains an entry for this variant (Variation ID: 241448). Advanced modeling of protein sequence and biophysical properties (such as structural, functional, and spatial information, amino acid conservation, physicochemical variation, residue mobility, and thermodynamic stability) performed at Invitae indicates that this missense variant is expected to disrupt DNAI2 protein function with a positive predictive value of 80%. For these reasons, this variant has been classified as Pathogenic.

NM_023036.6(DNAI2):c.1420G>A (p.Gly474Arg)

Gene: DNAI2 (dynein axonemal intermediate chain 2; plus strand). Cytogenetic location: 17q25.1.
Variant type: single nucleotide variant.
Coding change: c.1420G>A on transcript NM_023036.6 (MANE Select); coding-DNA position 1420, G replaced by A.
Protein change: p.Gly474Arg; replaces glycine 474 with arginine.
Molecular consequence: missense variant. On other transcripts: non-coding transcript variant (1).
Genome position (GRCh38, 1-based): chr17:74,310,089, G>A. VCF-style: chr17-74310089-G-A. GRCh37 (hg19) VCF-style: chr17-72306228-G-A.
Other names: c.1384G>A, p.Gly462Arg (NM_001172810.3); c.1420G>A, p.Gly474Arg (NM_001353167.2); short protein forms G474R, G462R.
Identifiers: ClinVar variation 241448 (VCV000241448.10), dbSNP rs878855078, ClinGen allele CA10583671.